The following is an entry in ClinVar:

ClinVar aggregate classification (germline): Uncertain significance (1 of 4 stars; one submission).

Conditions:
Melnick-Needles syndrome (MNS). Also called: MELNICK-NEEDLES OSTEODYSPLASTY; OSTEODYSPLASTY OF MELNICK AND NEEDLES; Melnick-Needles Syndrome (FLNA-MNS). Identifiers: Orphanet 2484, MedGen C0025237, MONDO:0010650, OMIM 309350.
Frontometaphyseal dysplasia (FMD1). Identifiers: Orphanet 1826, MedGen C0265293, MONDO:0015942.
Heterotopia, periventricular, X-linked dominant (PVNH1). Also called: PERIVENTRICULAR NODULAR HETEROTOPIA 1; X-linked periventricular heterotopia; PERIVENTRICULAR NODULAR HETEROTOPIA 4; HETEROTOPIA, PERIVENTRICULAR, 1. Identifiers: Orphanet 2149, Orphanet 82004, MedGen C1848213, MONDO:0010233, OMIM 300049.
Oto-palato-digital syndrome, type II (OPD2). Also called: FACIOPALATOOSSEOUS SYNDROME; OPD II SYNDROME; Otopalatodigital Syndrome, Type II; Otopalatodigital Syndrome Type 2 (FLNA-OPD2). Identifiers: Orphanet 669, Orphanet 90652, MedGen C1844696, MONDO:0010571, OMIM 304120.

Submission:

Labcorp Genetics (formerly Invitae), Labcorp
Classification: Uncertain significance for Oto-palato-digital syndrome, type II; Heterotopia, periventricular, X-linked dominant; Frontometaphyseal dysplasia; Melnick-Needles syndrome. Last evaluated: 2024-05-23. Review status: criteria provided, single submitter. Criteria: Invitae Variant Classification Sherloc (09022015). Collection method: clinical testing. Allele origin: germline.
Comment: This sequence change replaces aspartic acid, which is acidic and polar, with glutamic acid, which is acidic and polar, at codon 1281 of the FLNA protein (p.Asp1281Glu). This variant is not present in population databases (gnomAD no frequency). This variant has not been reported in the literature in individuals affected with FLNA-related conditions. Advanced modeling of protein sequence and biophysical properties (such as structural, functional, and spatial information, amino acid conservation, physicochemical variation, residue mobility, and thermodynamic stability) performed at Invitae indicates that this missense variant is not expected to disrupt FLNA protein function with a negative predictive value of 95%. In summary, the available evidence is currently insufficient to determine the role of this variant in disease. Therefore, it has been classified as a Variant of Uncertain Significance.

NM_001110556.2(FLNA):c.3843C>A (p.Asp1281Glu)

Gene: FLNA (filamin A; minus strand). Cytogenetic location: Xq28.
Variant type: single nucleotide variant.
Coding change: c.3843C>A on transcript NM_001110556.2 (MANE Select); coding-DNA position 3843, C replaced by A.
Protein change: p.Asp1281Glu; replaces aspartic acid 1281 with glutamic acid.
Molecular consequence: missense variant.
Genome position (GRCh38, 1-based): chrX:154,359,868, G>T on the plus strand (C>A on the coding strand, the complement: FLNA is on the minus strand). VCF-style: chrX-154359868-G-T. GRCh37 (hg19) VCF-style: chrX-153588236-G-T.
Other names: c.3843C>A, p.Asp1281Glu (NM_001456.4); short protein forms D1281E.
Identifiers: ClinVar variation 3753990 (VCV003753990.2).